The following is an entry in ClinVar:

NM_001368882.1(COL13A1):c.513del (p.Gly172fs)

Gene: COL13A1 (collagen type XIII alpha 1 chain; plus strand). Cytogenetic location: 10q22.1.
Variant type: Deletion.
Coding change: c.513del on transcript NM_001368882.1 (MANE Select); coding-DNA position 513, one base deleted (T; older notation c.513delT).
Protein change: p.Gly172fs; shifts the reading frame from glycine 172.
Molecular consequence: frameshift variant. On other transcripts: 5 prime UTR variant (1), intron variant (5).
Genome position (GRCh38, 1-based): chr10:69,880,553, T deleted. VCF-style (leftmost placement, unchanged base first): chr10-69880552-CT-C. GRCh37 (hg19) VCF-style: chr10-71640308-CT-C.
Other names: c.486delT (NM_001130103.1); c.486del, p.Gly163fs (NM_001130103.2, NM_080800.4, NM_080801.4 and 1 more transcripts); c.513del, p.Gly172fs (NM_001320951.2, NM_001368884.1); c.477del, p.Gly160fs (NM_001368883.1, NM_001368885.1); c.-88del (NM_001368886.1); c.423del, p.Gly142fs (NM_001368895.1); c.400-6903del (NM_080805.4, NM_001368897.1); c.373-6903del (NM_001368898.1, NM_080798.4, NM_001368896.1); short protein forms G142fs, G160fs, G163fs, G172fs.
Identifiers: ClinVar variation 977150 (VCV000977150.6), dbSNP rs1564932829, ClinGen allele CA594258296.

ClinVar aggregate classification (germline): Pathogenic/Likely pathogenic. Review status: criteria provided, multiple submitters, no conflicts (2 of 4 stars). 3 submissions from 3 submitters: Pathogenic (1); Likely pathogenic (2). Last evaluated 2024-10-09.

Conditions:
Pancreatic agenesis 2 (PAGEN2). Also called: PANCREATIC HYPOPLASIA, CONGENITAL 2. Identifiers: Orphanet 2805, MedGen C4014737, MONDO:0014406, OMIM 615935.
Congenital myasthenic syndrome 19. Identifiers: Orphanet 590, MedGen C4225235, MONDO:0014745, OMIM 616720.

Allele frequency attached by ClinVar (database versions not stated): gnomAD exomes below 0.00001 and 0.00001.

Submissions (3):

Victorian Clinical Genetics Services, Murdoch Childrens Research Institute
Classification: Pathogenic for Congenital myasthenic syndrome 19. Last evaluated: 2024-10-09. Review status: criteria provided, single submitter. Criteria: ACMG Guidelines, 2015. Collection method: clinical testing. Allele origin: germline. Inheritance: Autosomal recessive inheritance. Affected: yes.
Comment: Based on the classification scheme VCGS_Germline_v1.3.4, this variant is classified as Pathogenic. Following criteria are met: 0102 - Loss of function is a known mechanism of disease in this gene and is associated with congenital myasthenic syndrome 19 (MIM#616720). (I) 0106 - This gene is associated with autosomal recessive disease. (I) 0201 - Variant is predicted to cause nonsense-mediated decay (NMD) and loss of protein (premature termination codon is located at least 54 nucleotides upstream of the final exon-exon junction). (SP) 0251 - This variant is heterozygous. (I) 0304 - Variant is present in gnomAD (v2) <0.01 for a recessive condition (1 heterozygote, 0 homozygotes). (SP) 0701 - Other NMD-predicted variants comparable to the one identified in this case have very strong previous evidence for pathogenicity. NMD-predicted variants are commonly reported in individuals with congenital myasthenic syndrome 19 (ClinVar, PMID: 31081514, 30767057). (SP) 0803 - This variant has limited previous evidence of pathogenicity in an unrelated individual. This variant was reported homozygous in an individual with congenital myasthenic syndrome 19 (PMID: 31081514). (SP) 0905 - No published segregation evidence has been identified for this variant. (I) 1007 - No published functional evidence has been identified for this variant. (I) 1208 - Inheritance information for this variant is not currently available in this individual. (I) Legend: (SP) - Supporting pathogenic, (I) - Information, (SB) - Supporting benign

Department of Human Genetics, Hannover Medical School
Classification: Likely pathogenic for Pancreatic agenesis 2. Last evaluated: 2023-08-10. Review status: criteria provided, single submitter. Criteria: ACMG Guidelines, 2015. Collection method: clinical testing. Allele origin: germline. Inheritance: Autosomal recessive inheritance. Affected: yes.

Broad Center for Mendelian Genomics, Broad Institute of MIT and Harvard
Classification: Likely pathogenic for Congenital myasthenic syndrome 19. Last evaluated: 2020-05-29. Review status: criteria provided, single submitter. Criteria: ACMG Guidelines, 2015. Collection method: research. Allele origin: germline. Inheritance: Autosomal recessive inheritance.
Comment: This variant has been identified in 0.0009% (1/112076) of European (Non-Finnish) chromosomes by the Genome Aggregation Database (gnomAD). Although this variant has been seen in the general population, its frequency is low enough to be consistent with a recessive carrier frequency. This variant is predicted to cause a frameshift, which alters the proteinâ€™s amino acid sequence beginning at position 163 and leads to a premature termination codon 32 amino acids downstream. This alteration is then predicted to lead to a truncated or absent protein. While there is some evidence to suggest that loss of function of the COL12A1 gene is a disease mechanism in autosomal recessive congenital myasthenic syndrome, this association is not yet strongly established based on the criteria laid out in Tayoun, 2018 (PMID: 30192042). In summary, although additional studies are required to fully establish its clinical significance, this variant is likely pathogenic. ACMG/AMP Criteria applied: PVS1_strong, PM2, PM3_supporting (Richards 2015).

Literature cited by the submitters: PubMed 30767057 (cited by Victorian Clinical Genetics Services, Murdoch Childrens Research Institute); PubMed 31081514 (cited by Victorian Clinical Genetics Services, Murdoch Childrens Research Institute and Broad Center for Mendelian Genomics, Broad Institute of MIT and Harvard).